The following is an entry in ClinVar:

NM_001429.4(EP300):c.5150A>G (p.Asn1717Ser)

Gene: EP300 (EP300 lysine acetyltransferase; plus strand). Cytogenetic location: 22q13.2.
Variant type: single nucleotide variant.
Coding change: c.5150A>G on transcript NM_001429.4 (MANE Select); coding-DNA position 5150, A replaced by G.
Protein change: p.Asn1717Ser; replaces asparagine 1717 with serine.
Molecular consequence: missense variant.
Genome position (GRCh38, 1-based): chr22:41,176,861, A>G. VCF-style: chr22-41176861-A-G. GRCh37 (hg19) VCF-style: chr22-41572865-A-G.
Other names: c.5072A>G, p.Asn1691Ser (NM_001362843.2); short protein forms N1691S, N1717S.
Identifiers: ClinVar variation 1341653 (VCV001341653.6), dbSNP rs779154669, ClinGen allele CA10253604.
Genomic context (GRCh38, chr22:41,176,861, plus strand): 5'-ACACTAAAAACCATGACCACAAAATGGAGAAACTAGGCCTTGGCTTAGATGATGAGAGCA[A>G]CAACCAGCAGGCTGCAGCCACCCAGAGCCCAGGCGATTCTCGCCGCCTGAGTATCCAGCG-3'
Protein context (NP_001420.2, residues 1707-1727): KLGLGLDDES[Asn1717Ser]NQQAAATQSP

ClinVar aggregate classification (germline): Conflicting classifications of pathogenicity. Review status: criteria provided, conflicting classifications (1 of 4 stars). 4 submissions from 4 submitters: Uncertain significance (2); Likely benign (2). Last evaluated 2026-09-15.

Conditions:
Inborn genetic diseases. Identifiers: MedGen C0950123, MeSH D030342.
Rubinstein-Taybi syndrome due to EP300 haploinsufficiency. Also called: EP300-Related Rubinstein-Taybi Syndrome; RUBINSTEIN-TAYBI SYNDROME 2. Identifiers: Orphanet 353284, Orphanet 783, MedGen C3150941, MONDO:0013364, OMIM 613684.
EP300-related disorder. Also called: EP300-related condition; EP300-related disorders.

Allele frequency attached by ClinVar (database versions not stated): gnomAD exomes 0.00001 and 0.00002; ExAC 0.00002; gnomAD 0.00002; TOPMed 0.00003.
gnomAD v4.1: 13 of 1,614,008 alleles (0.00081%); highest among the groups gnomAD compares: East Asian, 0.016%; no homozygotes.

Submissions (4):

PreventionGenetics, part of Exact Sciences
Classification: Uncertain significance for EP300-related condition. Last evaluated: 2026-09-15. Review status: criteria provided, single submitter. Criteria: ACMG Guidelines, 2015. Collection method: clinical testing. Allele origin: germline.
Comment: The EP300 c.5150A>G variant is predicted to result in the amino acid substitution p.Asn1717Ser. To our knowledge, this variant has not been reported in the literature. This variant is reported in 0.025% of alleles in individuals of East Asian descent in gnomAD, which may be too frequent to be a primary cause of disease. Although we suspect that this variant may be benign, at this time, the clinical significance of this variant is uncertain due to the absence of conclusive functional and genetic evidence.

Labcorp Genetics (formerly Invitae), Labcorp
Classification: Uncertain significance for Rubinstein-Taybi syndrome due to EP300 haploinsufficiency. Last evaluated: 2025-12-28. Review status: criteria provided, single submitter. Criteria: Invitae Variant Classification Sherloc (09022015). Collection method: clinical testing. Allele origin: germline.
Comment: This sequence change replaces asparagine, which is neutral and polar, with serine, which is neutral and polar, at codon 1717 of the EP300 protein (p.Asn1717Ser). This variant is present in population databases (rs779154669, gnomAD 0.03%). This variant has not been reported in the literature in individuals affected with EP300-related conditions. ClinVar contains an entry for this variant (Variation ID: 1341653). Invitae Evidence Modeling of protein sequence and biophysical properties (such as structural, functional, and spatial information, amino acid conservation, physicochemical variation, residue mobility, and thermodynamic stability) indicates that this missense variant is not expected to disrupt EP300 protein function with a negative predictive value of 80%. In summary, the available evidence is currently insufficient to determine the role of this variant in disease. Therefore, it has been classified as a Variant of Uncertain Significance.

Ambry Genetics
Classification: Likely benign for Inborn genetic diseases. Last evaluated: 2025-08-26. Review status: criteria provided, single submitter. Criteria: Ambry Variant Classification Scheme 2023. Collection method: clinical testing. Allele origin: germline.

GeneDx
Classification: Likely benign. Last evaluated: 2021-03-23. Review status: criteria provided, single submitter. Criteria: GeneDx Variant Classification Process June 2021. Collection method: clinical testing. Allele origin: germline. Affected: yes.